The following is an entry in ClinVar:

NM_001430.5(EPAS1):c.1564A>T (p.Asn522Tyr)

Gene: EPAS1 (endothelial PAS domain protein 1; plus strand). Cytogenetic location: 2p21.
Variant type: single nucleotide variant.
Coding change: c.1564A>T on transcript NM_001430.5 (MANE Select); coding-DNA position 1564, A replaced by T.
Protein change: p.Asn522Tyr; replaces asparagine 522 with tyrosine.
Molecular consequence: missense variant.
Genome position (GRCh38, 1-based): chr2:46,380,236, A>T. VCF-style: chr2-46380236-A-T. GRCh37 (hg19) VCF-style: chr2-46607375-A-T.
Other names: short protein forms N522Y.
Identifiers: ClinVar variation 1775331 (VCV001775331.2), dbSNP rs2546476626, ClinGen allele CA346704397.
Genomic context (GRCh38, chr2:46,380,236, plus strand): 5'-GTGAGGTCGTACCAACCCCCTTGCCTCTTTGCCGGTGCTGTCTCCCCTCAGACGGATTTC[A>T]ATGAGCTGGACTTGGAGACACTGGCACCCTATATCCCCATGGACGGGGAAGACTTCCAGC-3'
Protein context (NP_001421.2, residues 512-532): KDQCSTQTDF[Asn522Tyr]ELDLETLAPY

ClinVar aggregate classification (germline): Uncertain significance (1 of 4 stars; one submission).

Conditions:
Inborn genetic diseases. Identifiers: MedGen C0950123, MeSH D030342.

Submission:

Ambry Genetics
Classification: Uncertain significance for Inborn genetic diseases. Last evaluated: 2022-02-02. Review status: criteria provided, single submitter. Criteria: Ambry Variant Classification Scheme 2023. Collection method: clinical testing. Allele origin: germline.
Comment: The p.N522Y variant (also known as c.1564A>T), located in coding exon 12 of the EPAS1 gene, results from an A to T substitution at nucleotide position 1564. The asparagine at codon 522 is replaced by tyrosine, an amino acid with dissimilar properties. This amino acid position is conserved. In addition, the in silico prediction for this alteration is inconclusive. Since supporting evidence is limited at this time, the clinical significance of this alteration remains unclear.